The following is an entry in ClinVar:

NM_139276.3(STAT3):c.191T>C (p.Ile64Thr)

Gene: STAT3 (signal transducer and activator of transcription 3; minus strand). Cytogenetic location: 17q21.2.
Variant type: single nucleotide variant.
Coding change: c.191T>C on transcript NM_139276.3 (MANE Select); coding-DNA position 191, T replaced by C.
Protein change: p.Ile64Thr; replaces isoleucine 64 with threonine.
Molecular consequence: missense variant.
Genome position (GRCh38, 1-based): chr17:42,346,651, A>G on the plus strand (T>C on the coding strand, the complement: STAT3 is on the minus strand). VCF-style: chr17-42346651-A-G. GRCh37 (hg19) VCF-style: chr17-40498669-A-G.
Other names: p.Ile64Thr; c.191T>C, p.Ile64Thr (NM_003150.4, NM_213662.2, NM_001384984.1 and 17 more transcripts); short protein forms I64T.
Identifiers: ClinVar variation 2921944 (VCV002921944.5), dbSNP rs2509529713, ClinGen allele CA399597030.
Genomic context (GRCh38, chr17:42,346,651, plus strand): 5'-CGTAGATTGTGCTGATAGAGAACATTCGACTCTTGCAGGAAGCGGCTATACTGCTGGTCA[A>G]TCTCTCCCAGGAGATTATGAAACACCAAAGTGGCATGTGATTCTTTGCTGGCCGCATATG-3'
Protein context (NP_644805.1, residues 54-74): TLVFHNLLGE[Ile64Thr]DQQYSRFLQE

ClinVar aggregate classification (germline): Uncertain significance. Review status: criteria provided, multiple submitters, no conflicts (2 of 4 stars). 3 submissions from 3 submitters: Uncertain significance (3). Last evaluated 2024-07-25.

Conditions:
Hyper-IgE recurrent infection syndrome 1, autosomal dominant. Also called: STAT3 Hyper IgE Syndrome; Hyper-IgE recurrent infection syndrome 1; JOB SYNDROME; HYPER-IgE SYNDROME 1, AUTOSOMAL DOMINANT, WITH RECURRENT INFECTIONS; Job's Syndrome. Identifiers: Orphanet 2314, MedGen C2936739, MONDO:0007818, OMIM 147060.
STAT3 gain of function. Identifiers: MedGen C4288261.

gnomAD v4.1: 1 of 1,614,140 alleles (0.000062%); no homozygotes.

Submissions (3):

GeneDx
Classification: Uncertain significance. Last evaluated: 2024-07-25. Review status: criteria provided, single submitter. Criteria: GeneDx Variant Classification Process June 2021. Collection method: clinical testing. Allele origin: germline. Affected: yes.
Comment: Not observed at significant frequency in large population cohorts (gnomAD); In silico analysis indicates that this missense variant does not alter protein structure/function; Has not been previously published as pathogenic or benign to our knowledge; This variant is associated with the following publications: (PMID: 17676033, 18602572)

Mayo Clinic Laboratories, Mayo Clinic
Classification: Uncertain significance. Last evaluated: 2024-01-08. Review status: criteria provided, single submitter. Criteria: ACMG Guidelines, 2015. Collection method: clinical testing. Allele origin: germline. Observed: 1 variant allele.
Comment: PP2, PM2

Labcorp Genetics (formerly Invitae), Labcorp
Classification: Uncertain significance for STAT3 gain of function; Hyper-IgE recurrent infection syndrome 1, autosomal dominant. Last evaluated: 2024-01-04. Review status: criteria provided, single submitter. Criteria: Invitae Variant Classification Sherloc (09022015). Collection method: clinical testing. Allele origin: germline.
Comment: This sequence change replaces isoleucine, which is neutral and non-polar, with threonine, which is neutral and polar, at codon 64 of the STAT3 protein (p.Ile64Thr). This variant is not present in population databases (gnomAD no frequency). This variant has not been reported in the literature in individuals affected with STAT3-related conditions. Advanced modeling of protein sequence and biophysical properties (such as structural, functional, and spatial information, amino acid conservation, physicochemical variation, residue mobility, and thermodynamic stability) performed at Invitae indicates that this missense variant is not expected to disrupt STAT3 protein function with a negative predictive value of 80%. In summary, the available evidence is currently insufficient to determine the role of this variant in disease. Therefore, it has been classified as a Variant of Uncertain Significance.